The following is an entry in ClinVar:

ClinVar aggregate classification (germline): Uncertain significance (1 of 4 stars; one submission).

gnomAD v4.1: 1 of 1,614,114 alleles (0.000062%); highest among the groups gnomAD compares: Admixed American, 0.0017%; no homozygotes.

Submission:

GeneDx
Classification: Uncertain significance. Last evaluated: 2026-04-08. Review status: criteria provided, single submitter. Criteria: GeneDx Variant Classification Process June 2021. Collection method: clinical testing. Allele origin: germline.
Comment: In silico analysis supports that this missense variant has a deleterious effect on protein structure/function; Has not been previously published as pathogenic or benign to our knowledge

NM_020738.4(KIDINS220):c.1706G>C (p.Gly569Ala)

Gene: KIDINS220 (kinase D interacting substrate 220; minus strand). Cytogenetic location: 2p25.1.
Variant type: single nucleotide variant.
Coding change: c.1706G>C on transcript NM_020738.4 (MANE Select); coding-DNA position 1706, G replaced by C.
Protein change: p.Gly569Ala; replaces glycine 569 with alanine.
Molecular consequence: missense variant. On other transcripts: non-coding transcript variant (2).
Genome position (GRCh38, 1-based): chr2:8,788,728, C>G on the plus strand (G>C on the coding strand, the complement: KIDINS220 is on the minus strand). VCF-style: chr2-8788728-C-G. GRCh37 (hg19) VCF-style: chr2-8928858-C-G.
Other names: c.1709G>C, p.Gly570Ala (NM_001348729.2, NM_001348731.2, NM_001348734.2 and 3 more transcripts); c.1706G>C, p.Gly569Ala (NM_001348732.2, NM_001348735.2, NM_001348738.2 and 3 more transcripts); c.1580G>C, p.Gly527Ala (NM_001348736.2); short protein forms G527A, G569A, G570A.
Identifiers: ClinVar variation 5018358 (VCV005018358.1).